The following is an entry in ClinVar:

NM_003638.3(ITGA8):c.1447G>A (p.Ala483Thr)

Gene: ITGA8 (integrin subunit alpha 8; minus strand). Cytogenetic location: 10p13.
Variant type: single nucleotide variant.
Coding change: c.1447G>A on transcript NM_003638.3 (MANE Select); coding-DNA position 1447, G replaced by A.
Protein change: p.Ala483Thr; replaces alanine 483 with threonine.
Molecular consequence: missense variant.
Genome position (GRCh38, 1-based): chr10:15,613,766, C>T on the plus strand (G>A on the coding strand, the complement: ITGA8 is on the minus strand). VCF-style: chr10-15613766-C-T. GRCh37 (hg19) VCF-style: chr10-15655765-C-T.
Other names: c.1402G>A, p.Ala468Thr (NM_001291494.2); short protein forms A468T, A483T.
Identifiers: ClinVar variation 1956175 (VCV001956175.5), dbSNP rs376893085, ClinGen allele CA5420206.

ClinVar aggregate classification (germline): Uncertain significance (1 of 4 stars; one submission).

Allele frequency attached by ClinVar (database versions not stated): ExAC 0.00002; ESP Exome Variant Server 0.00008.
gnomAD v4.1: 13 of 1,608,746 alleles (0.00081%); highest among the groups gnomAD compares: Middle Eastern, 0.016%; no homozygotes.

Submission:

Labcorp Genetics (formerly Invitae), Labcorp
Classification: Uncertain significance. Last evaluated: 2022-08-21. Review status: criteria provided, single submitter. Criteria: Invitae Variant Classification Sherloc (09022015). Collection method: clinical testing. Allele origin: germline.
Comment: In summary, the available evidence is currently insufficient to determine the role of this variant in disease. Therefore, it has been classified as a Variant of Uncertain Significance. Algorithms developed to predict the effect of missense changes on protein structure and function are either unavailable or do not agree on the potential impact of this missense change (SIFT: "Deleterious"; PolyPhen-2: "Probably Damaging"; Align-GVGD: "Class C0"). This variant has not been reported in the literature in individuals affected with ITGA8-related conditions. This variant is present in population databases (rs376893085, gnomAD 0.003%). This sequence change replaces alanine, which is neutral and non-polar, with threonine, which is neutral and polar, at codon 483 of the ITGA8 protein (p.Ala483Thr).